The following is an entry in ClinVar:

ClinVar aggregate classification (germline): Likely benign. Review status: criteria provided, multiple submitters, no conflicts (2 of 4 stars). 2 submissions from 2 submitters: Likely benign (2). Last evaluated 2018-06-16.

Allele frequency attached by ClinVar (database versions not stated): TOPMed 0.02484; gnomAD exomes 0.02518; gnomAD 0.02617 and 0.02678; 1000 Genomes Project 30x 0.02670; 1000 Genomes Project 0.02776.
gnomAD v4.1: 27,606 of 1,083,638 alleles (2.5%); highest among the groups gnomAD compares: South Asian, 6.1%; 553 homozygotes.

Submissions (2):

GeneDx
Classification: Likely benign. Last evaluated: 2018-06-16. Review status: criteria provided, single submitter. Criteria: GeneDx Variant Classification (06012015). Collection method: clinical testing. Allele origin: germline. Affected: yes.
Comment: This variant is considered likely benign or benign based on one or more of the following criteria: it is a conservative change, it occurs at a poorly conserved position in the protein, it is predicted to be benign by multiple in silico algorithms, and/or has population frequency not consistent with disease.

Breakthrough Genomics
Classification: Likely benign. Review status: criteria provided, single submitter. Criteria: ACMG Guidelines, 2015. Collection method: not provided. Allele origin: germline. Inheritance: Autosomal recessive inheritance. Affected: yes.

NM_002474.3(MYH11):c.3121+108C>T

Gene: MYH11 (myosin heavy chain 11; minus strand). Cytogenetic location: 16p13.11.
Variant type: single nucleotide variant.
Coding change: c.3121+108C>T on transcript NM_002474.3 (MANE Select); 108 bases into the intron after coding-DNA position 3121, C replaced by T.
Molecular consequence: intron variant.
Genome position (GRCh38, 1-based): chr16:15,738,457, G>A on the plus strand (C>T on the coding strand, the complement: MYH11 is on the minus strand). VCF-style: chr16-15738457-G-A. GRCh37 (hg19) VCF-style: chr16-15832314-G-A.
Other names: c.3121+108C>T (NM_022844.3); c.3142+108C>T (NM_001040114.2, NM_001040113.2).
Identifiers: ClinVar variation 671051 (VCV000671051.2), dbSNP rs114678631, ClinGen allele CA14262651.